The following is an entry in ClinVar:

NM_002294.3(LAMP2):c.*205C>T

Gene: LAMP2 (lysosome associated membrane protein 2; minus strand). Cytogenetic location: Xq24.
Variant type: single nucleotide variant.
Coding change: c.*205C>T on transcript NM_002294.3 (MANE Select); 205 bases downstream of the stop codon, C replaced by T.
Molecular consequence: 3 prime UTR variant. On other transcripts: intron variant (1).
Genome position (GRCh38, 1-based): chrX:120,431,118, G>A on the plus strand (C>T on the coding strand, the complement: LAMP2 is on the minus strand). VCF-style: chrX-120431118-G-A. GRCh37 (hg19) VCF-style: chrX-119564973-G-A.
Other names: c.1094-2492C>T (NM_001122606.1).
Identifiers: ClinVar variation 367784 (VCV000367784.10), dbSNP rs41300191, ClinGen allele CA10645862.

ClinVar aggregate classification (germline): Benign/Likely benign. Review status: criteria provided, multiple submitters, no conflicts (2 of 4 stars). 4 submissions from 4 submitters: Benign (2); Likely benign (2). Last evaluated 2018-06-08.

Conditions:
Danon disease. Also called: Glycogen Storage Disease Type IIb; ANTOPOL DISEASE; PSEUDOGLYCOGENOSIS II; GSD IIb; LYSOSOMAL GLYCOGEN STORAGE DISEASE WITHOUT ACID MALTASE DEFICIENCY. Identifiers: Orphanet 34587, MedGen C0878677, MONDO:0010281, OMIM 300257.

Allele frequency attached by ClinVar (database versions not stated): 1000 Genomes Project 30x 0.00812; 1000 Genomes Project 0.00874; TOPMed 0.02082; gnomAD 0.02340 and 0.02502.

Submissions (4):

Blueprint Genetics
Classification: Likely benign. Last evaluated: 2018-06-08. Review status: criteria provided, single submitter. Criteria: ACMG Guidelines, 2015. Collection method: clinical testing. Allele origin: germline.

Illumina Laboratory Services, Illumina
Classification: Benign for Danon disease. Last evaluated: 2018-01-12. Review status: criteria provided, single submitter. Criteria: ICSL Variant Classification Criteria 13 December 2019. Collection method: clinical testing. Allele origin: germline.
Comment: This variant was observed in the ICSL laboratory as part of a predisposition screen in an ostensibly healthy population. It had not been previously curated by ICSL or reported in the Human Gene Mutation Database (HGMD: prior to June 1st, 2018), and was therefore a candidate for classification through an automated scoring system. Utilizing variant allele frequency, disease prevalence and penetrance estimates, and inheritance mode, an automated score was calculated to assess if this variant is too frequent to cause the disease. Based on the score and internal cut-off values, a variant classified as benign is not then subjected to further curation. The score for this variant resulted in a classification of benign for this disease.

GeneDx
Classification: Benign. Last evaluated: 2015-03-03. Review status: criteria provided, single submitter. Criteria: GeneDx Variant Classification Process June 2021. Collection method: clinical testing. Allele origin: germline. Affected: yes.

Breakthrough Genomics
Classification: Likely benign. Review status: criteria provided, single submitter. Criteria: ACMG Guidelines, 2015. Collection method: not provided. Allele origin: germline. Inheritance: X-linked inheritance. Affected: yes.